The following is an entry in ClinVar:

ClinVar aggregate classification (germline): Likely benign (1 of 4 stars; one submission).

Submission:

CeGaT Center for Human Genetics Tuebingen
Classification: Likely benign. Last evaluated: 2024-11-01. Review status: criteria provided, single submitter. Criteria: CeGaT Center For Human Genetics Tuebingen Variant Classification Criteria Version 2. Collection method: clinical testing. Allele origin: germline. Affected: yes. Observed: 1 variant allele.
Comment: MARS2: PM2:Supporting, BP4, BP7

NM_138395.4(MARS2):c.762C>G (p.Ser254=)

Gene: MARS2 (methionyl-tRNA synthetase 2, mitochondrial; plus strand). Cytogenetic location: 2q33.1.
Variant type: single nucleotide variant.
Coding change: c.762C>G on transcript NM_138395.4 (MANE Select); coding-DNA position 762, C replaced by G.
Protein change: p.Ser254=; no amino-acid change (serine 254 retained).
Molecular consequence: synonymous variant.
Genome position (GRCh38, 1-based): chr2:197,706,167, C>G. VCF-style: chr2-197706167-C-G. GRCh37 (hg19) VCF-style: chr2-198570891-C-G.
Identifiers: ClinVar variation 3390187 (VCV003390187.14).
Genomic context (GRCh38, chr2:197,706,167, plus strand): 5'-CCCCGAACCATTTCATCACGTAGTTCTTCAGTGGCTGGACGAGGAGCTGCCCGACCTGTC[C>G]GTGTCTCGCAGAAGTAGCCACTTGCACTGGGGCATTCCGGTGCCCGGGGATGATTCGCAG-3'
Protein context (NP_612404.1, residues 244-264): QWLDEELPDL[Ser254=]VSRRSSHLHW